The following is an entry in ClinVar:

NM_000038.6(APC):c.832C>A (p.Gln278Lys)

Gene: APC (APC regulator of Wnt signaling pathway; plus strand). Cytogenetic location: 5q22.2.
Variant type: single nucleotide variant.
Coding change: c.832C>A on transcript NM_000038.6 (MANE Select); coding-DNA position 832, C replaced by A.
Protein change: p.Gln278Lys; replaces glutamine 278 with lysine.
Molecular consequence: missense variant. On other transcripts: 5 prime UTR variant (1).
Genome position (GRCh38, 1-based): chr5:112,801,381, C>A. VCF-style: chr5-112801381-C-A. GRCh37 (hg19) VCF-style: chr5-112137078-C-A.
Other names: c.832C>A, p.Gln278Lys (NM_001127510.3, NM_001354895.2, NM_001354896.2 and 12 more transcripts); c.778C>A, p.Gln260Lys (NM_001127511.3); c.862C>A, p.Gln288Lys (NM_001354897.2, NM_001354902.2, NM_001407446.1); c.757C>A, p.Gln253Lys (NM_001354898.2, NM_001354904.2, NM_001407451.1); c.748C>A, p.Gln250Lys (NM_001354899.2, NM_001407452.1, NM_001407467.1 and 1 more transcripts); c.655C>A, p.Gln219Lys (NM_001354900.2, NM_001354901.2, NM_001354905.2 and 1 more transcripts); c.-204C>A (NM_001354906.2, NM_001407470.1, NM_001407471.1 and 1 more transcripts); short protein forms Q253K, Q278K, Q260K, Q288K, Q219K, Q250K.
Identifiers: ClinVar variation 2203676 (VCV002203676.4), dbSNP rs1554076217, ClinGen allele CA16023146.
Genomic context (GRCh38, chr5:112,801,381, plus strand): 5'-GAGCGGCAGAATGAAGGTCAAGGAGTGGGAGAAATCAACATGGCAACTTCTGGTAATGGT[C>A]AGGTAAATAAATTATTTTATCATATTTTTTAAAATTATTTAAATATCAGAAAAGTATGAA-3'
Protein context (NP_000029.2, residues 268-288): EINMATSGNG[Gln278Lys]GSTTRMDHET

ClinVar aggregate classification (germline): Uncertain significance (1 of 4 stars; one submission).

Conditions:
Familial adenomatous polyposis 1 (FAP1). Also called: POLYPOSIS, ADENOMATOUS INTESTINAL; FAMILIAL ADENOMATOUS POLYPOSIS 1, ATTENUATED. Identifiers: MedGen C2713442, MONDO:0021056, OMIM 175100. Disease mechanism: loss of function.

Allele frequency attached by ClinVar (database versions not stated): gnomAD exomes below 0.00001.
gnomAD v4.1: 4 of 1,594,314 alleles (0.00025%); highest among the groups gnomAD compares: South Asian, 0.0045%; no homozygotes.

Submission:

Labcorp Genetics (formerly Invitae), Labcorp
Classification: Uncertain significance for Familial adenomatous polyposis 1. Last evaluated: 2024-08-04. Review status: criteria provided, single submitter. Criteria: Invitae Variant Classification Sherloc (09022015). Collection method: clinical testing. Allele origin: germline.
Comment: This sequence change replaces glutamine, which is neutral and polar, with lysine, which is basic and polar, at codon 278 of the APC protein (p.Gln278Lys). This variant is not present in population databases (gnomAD no frequency). This missense change has been observed in individual(s) with familial adenomatous polyposis (PMID: 21779980). ClinVar contains an entry for this variant (Variation ID: 2203676). An algorithm developed to predict the effect of missense changes on protein structure and function (PolyPhen-2) suggests that this variant is likely to be tolerated. Algorithms developed to predict the effect of sequence changes on RNA splicing suggest that this variant may disrupt the consensus splice site. In summary, the available evidence is currently insufficient to determine the role of this variant in disease. Therefore, it has been classified as a Variant of Uncertain Significance.

Literature cited by the submitters: PubMed 21779980.